The following is an entry in ClinVar:

ClinVar aggregate classification (germline): Uncertain significance (1 of 4 stars; one submission).

Allele frequency attached by ClinVar (database versions not stated): TOPMed 0.00001.

Submission:

Labcorp Genetics (formerly Invitae), Labcorp
Classification: Uncertain significance. Last evaluated: 2023-07-17. Review status: criteria provided, single submitter. Criteria: Invitae Variant Classification Sherloc (09022015). Collection method: clinical testing. Allele origin: germline.
Comment: This sequence change replaces methionine, which is neutral and non-polar, with valine, which is neutral and non-polar, at codon 148 of the KIZ protein (p.Met148Val). In summary, the available evidence is currently insufficient to determine the role of this variant in disease. Therefore, it has been classified as a Variant of Uncertain Significance. Algorithms developed to predict the effect of missense changes on protein structure and function output the following: SIFT: "Not Available"; PolyPhen-2: "Not Available"; Align-GVGD: "Not Available". The valine amino acid residue is found in multiple mammalian species, which suggests that this missense change does not adversely affect protein function. ClinVar contains an entry for this variant (Variation ID: 934110). This variant has not been reported in the literature in individuals affected with KIZ-related conditions. This variant is not present in population databases (gnomAD no frequency).

NM_018474.6(KIZ):c.442A>G (p.Met148Val)

Gene: KIZ (kizuna centrosomal protein; plus strand). Cytogenetic location: 20p11.23.
Variant type: single nucleotide variant.
Coding change: c.442A>G on transcript NM_018474.6 (MANE Select); coding-DNA position 442, A replaced by G.
Protein change: p.Met148Val; replaces methionine 148 with valine.
Molecular consequence: missense variant.
Genome position (GRCh38, 1-based): chr20:21,161,907, A>G. VCF-style: chr20-21161907-A-G. GRCh37 (hg19) VCF-style: chr20-21142548-A-G.
Other names: c.133A>G, p.Met45Val (NM_001163022.3, NM_001352435.2); c.43A>G, p.Met15Val (NM_001163023.3); c.295A>G, p.Met99Val (NM_001276389.2); c.442A>G, p.Met148Val (NM_001352434.2); c.100A>G, p.Met34Val (NM_001352436.2); short protein forms M34V, M99V, M148V, M45V, M15V.
Identifiers: ClinVar variation 934110 (VCV000934110.8), dbSNP rs2033679630, ClinGen allele CA408491220.